The following is an entry in ClinVar:

ClinVar aggregate classification (germline): Likely pathogenic (1 of 4 stars; one submission).

Conditions:
Autosomal recessive limb-girdle muscular dystrophy type 2J (LGMDR10). Also called: Limb-girdle muscular dystrophy, type 2J; MUSCULAR DYSTROPHY, LIMB-GIRDLE, AUTOSOMAL RECESSIVE 10. Identifiers: Orphanet 140922, MedGen C1837342, MONDO:0012127, OMIM 608807.
Dilated cardiomyopathy 1G (CMD1G). Identifiers: Orphanet 154, MedGen C1858763, MONDO:0011400, OMIM 604145.

Submission:

Labcorp Genetics (formerly Invitae), Labcorp
Classification: Likely pathogenic for Dilated cardiomyopathy 1G; Autosomal recessive limb-girdle muscular dystrophy type 2J. Last evaluated: 2024-11-24. Review status: criteria provided, single submitter. Criteria: Invitae Variant Classification Sherloc (09022015). Collection method: clinical testing. Allele origin: germline.
Comment: This sequence change creates a premature translational stop signal (p.His35938Glnfs*10) in the TTN gene. While this is not anticipated to result in nonsense mediated decay, it is expected to create a truncated TTN protein. This variant is present in population databases (no rsID available, gnomAD 0.0009%). This variant has not been reported in the literature in individuals affected with TTN-related conditions. This variant is located in the M band of TTN (PMID: 25589632). Truncating variants in this region have been previously reported in individuals affected with autosomal dominant or autosomal recessive myopathy and muscular dystrophy (PMID: 18948003, 23975875, 24395473). Truncating variants in this region have also been identified in individuals affected with autosomal dominant dilated cardiomyopathy and/or cardio-related conditions (PMID: 27869827, 32964742, internal data). In summary, the currently available evidence indicates that the variant is pathogenic, but additional data are needed to prove that conclusively. Therefore, this variant has been classified as Likely Pathogenic.

Literature cited by the submitters: PubMed 25589632; PubMed 18948003; PubMed 23975875; PubMed 24395473; PubMed 27869827; PubMed 32964742.

NM_001267550.2(TTN):c.107814_107815del (p.His35938fs)

Genes: TTN-AS1 (TTN antisense RNA 1; plus strand), TTN (titin; minus strand). Cytogenetic location: 2q31.2.
Variant type: Microsatellite.
Coding change: c.107814_107815del on transcript NM_001267550.2 (MANE Select); coding-DNA positions 107814 to 107815, 2 bases deleted (CA; older notation c.107814_107815delCA).
Protein change: p.His35938fs; shifts the reading frame from histidine 35938.
Molecular consequence: frameshift variant.
Genome position (GRCh38, 1-based): chr2:178,527,173-178,527,174, TG deleted on the plus strand (CA on the coding strand, the reverse complement: TTN is on the minus strand); deleting any 2 consecutive bases within chr2:178,527,173-178,527,176 gives the same sequence; the c. name uses the placement nearest the transcript's 3' end. VCF-style (leftmost placement, unchanged base first): chr2-178527172-CTG-C. GRCh37 (hg19) VCF-style: chr2-179391899-CTG-C.
Other names: c.102891_102892del, p.His34297fs (NM_001256850.1); c.80619_80620del, p.His26873fs (NM_003319.4); c.100110_100111del, p.His33370fs (NM_133378.4); c.80994_80995del, p.His26998fs (NM_133432.3); c.81195_81196del, p.His27065fs (NM_133437.4); short protein forms H26873fs, H26998fs, H27065fs, H33370fs, H34297fs, H35938fs.
Identifiers: ClinVar variation 3751244 (VCV003751244.2).